The following is an entry in ClinVar:

ClinVar aggregate classification (germline): Uncertain significance. Review status: criteria provided, multiple submitters, no conflicts (2 of 4 stars). 2 submissions from 2 submitters: Uncertain significance (2). Last evaluated 2026-01-16.

Conditions:
PCSK1-related disorder. Also called: PCSK1-related condition.

Allele frequency attached by ClinVar (database versions not stated): gnomAD exomes 0.00001 and 0.00002; gnomAD 0.00002; TOPMed 0.00002; ExAC 0.00003.
gnomAD v4.1: 15 of 1,603,008 alleles (0.00094%); highest among the groups gnomAD compares: Non-Finnish European, 0.0013%; no homozygotes.

Submissions (2):

PreventionGenetics, part of Exact Sciences
Classification: Uncertain significance for PCSK1-related condition. Last evaluated: 2026-01-16. Review status: criteria provided, single submitter. Criteria: ACMG Guidelines, 2015. Collection method: clinical testing. Allele origin: germline.
Comment: The PCSK1 c.296C>T variant is predicted to result in the amino acid substitution p.Ala99Val. This variant has been observed in cohorts of individuals with obesity (Table S1, Šket et al. 2022. PubMed ID: 35574020; Supplemental Data Set, Shah et al. 2023. PubMed ID: 36864747). In vitro functional studies showed results similar to that of wildtype (Supplemental Data Set, Shah et al. 2023. PubMed ID: 36864747). This variant is reported in 0.0035% of alleles in individuals of European (non-Finnish) descent in gnomAD. At this time, the clinical significance of this variant is uncertain due to the absence of conclusive functional and genetic evidence.

Labcorp Genetics (formerly Invitae), Labcorp
Classification: Uncertain significance. Last evaluated: 2025-08-15. Review status: criteria provided, single submitter. Criteria: Invitae Variant Classification Sherloc (09022015). Collection method: clinical testing. Allele origin: germline.
Comment: This sequence change replaces alanine, which is neutral and non-polar, with valine, which is neutral and non-polar, at codon 99 of the PCSK1 protein (p.Ala99Val). This variant is present in population databases (rs776019151, gnomAD 0.004%). This missense change has been observed in individual(s) with obesity (PMID: 35574020). ClinVar contains an entry for this variant (Variation ID: 1441629). An algorithm developed to predict the effect of missense changes on protein structure and function (PolyPhen-2) suggests that this variant is likely to be tolerated. In summary, the available evidence is currently insufficient to determine the role of this variant in disease. Therefore, it has been classified as a Variant of Uncertain Significance.

Literature cited by the submitters: PubMed 35574020 (cited by Labcorp Genetics (formerly Invitae), Labcorp).

NM_000439.5(PCSK1):c.296C>T (p.Ala99Val)

Genes: CAST (calpastatin; plus strand), PCSK1 (proprotein convertase subtilisin/kexin type 1; minus strand), LOC101929710 (uncharacterized LOC101929710; plus strand). Cytogenetic location: 5q15.
Variant type: single nucleotide variant.
Coding change: c.296C>T on transcript NM_000439.5 (MANE Select); coding-DNA position 296, C replaced by T.
Protein change: p.Ala99Val; replaces alanine 99 with valine.
Molecular consequence: missense variant.
Genome position (GRCh38, 1-based): chr5:96,425,920, G>A on the plus strand (C>T on the coding strand, the complement: PCSK1 is on the minus strand). VCF-style: chr5-96425920-G-A. GRCh37 (hg19) VCF-style: chr5-95761624-G-A.
Other names: c.296C>T (NM_000439.4); c.155C>T, p.Ala52Val (NM_001177875.2); short protein forms A52V, A99V.
Identifiers: ClinVar variation 1441629 (VCV001441629.12), dbSNP rs776019151, ClinGen allele CA3350523.